The following is an entry in ClinVar:

NM_004523.4(KIF11):c.574-2A>G

Gene: KIF11 (kinesin family member 11; plus strand). Cytogenetic location: 10q23.33.
Variant type: single nucleotide variant.
Coding change: c.574-2A>G on transcript NM_004523.4 (MANE Select); the canonical splice acceptor site of the intron before coding-DNA position 574, A replaced by G.
Molecular consequence: splice acceptor variant.
Genome position (GRCh38, 1-based): chr10:92,609,383, A>G. VCF-style: chr10-92609383-A-G. GRCh37 (hg19) VCF-style: chr10-94369140-A-G.
Identifiers: ClinVar variation 2691882 (VCV002691882.3), dbSNP rs2492482259, ClinGen allele CA377589653.
Genomic context (GRCh38, chr10:92,609,383, plus strand): 5'-TGTGTGTGTGTGTGTGTGTGTTTTAACCAATCTAATGGATGTTCTTTTGGTATTTTGGTC[A>G]GAGAGGAGTGATAATTAAAGGTTTAGAAGAAATTACAGTACACAACAAGGATGAAGTCTA-3'

ClinVar aggregate classification (germline): Pathogenic/Likely pathogenic. Review status: criteria provided, multiple submitters, no conflicts (2 of 4 stars). 2 submissions from 2 submitters: Pathogenic (1); Likely pathogenic (1). Last evaluated 2023-12-14.

Conditions:
Microcephaly with or without chorioretinopathy, lymphedema, or impaired intellectual development. Also called: Microcephaly with or without chorioretinopathy, lymphedema, or intellectual disability; MICROCEPHALY AND CHORIORETINOPATHY WITH OR WITHOUT MENTAL RETARDATION, AUTOSOMAL DOMINANT; MICROCEPHALY, LYMPHEDEMA, CHORIORETINAL DYSPLASIA SYNDROME; Microcephaly lymphedema chorioretinal dysplasia; Microcephaly with or without chorioretinopathy, lymphedema, or mental retardation. Identifiers: Orphanet 2526, MedGen C1835265, MONDO:0007918, OMIM 152950.

Submissions (2):

GeneDx
Classification: Pathogenic. Last evaluated: 2023-12-14. Review status: criteria provided, single submitter. Criteria: GeneDx Variant Classification Process June 2021. Collection method: clinical testing. Allele origin: germline. Affected: yes.
Comment: Canonical splice site variant predicted to result in a null allele in a gene for which loss of function is a known mechanism of disease; Not observed at significant frequency in large population cohorts (gnomAD); Has not been previously published as pathogenic or benign to our knowledge

Institute of Human Genetics, University of Leipzig Medical Center
Classification: Likely pathogenic for Microcephaly with or without chorioretinopathy, lymphedema, or impaired intellectual development. Last evaluated: 2023-12-14. Review status: criteria provided, single submitter. Criteria: ACMG Guidelines, 2015. Collection method: clinical testing. Allele origin: unknown. Inheritance: Autosomal dominant inheritance. Affected: yes.
Comment: Criteria applied: PVS1,PM2_SUP